The following is an entry in ClinVar:

ClinVar aggregate classification (germline): Uncertain significance (1 of 4 stars; one submission).

Conditions:
Neuronopathy, distal hereditary motor, autosomal dominant 11. Also called: NEUROPATHY, DISTAL HEREDITARY MOTOR, 11. Identifiers: MedGen C5882697, MONDO:0957875, OMIM 620528.

Submission:

MVZ Medizinische Genetik Mainz
Classification: Uncertain significance for Neuronopathy, distal hereditary motor, autosomal dominant 11. Last evaluated: 2026-04-02. Review status: criteria provided, single submitter. Criteria: UK Practice Guidelines For Variant Classification V4 01 2020. Collection method: clinical testing. Allele origin: germline. Inheritance: Autosomal dominant inheritance. Affected: yes. Observed: 1 variant allele.
Comment: ACMG Criteria: PP3_MOD,PM2_SUP,PP2

NM_001130438.3(SPTAN1):c.1414T>G (p.Phe472Val)

Gene: SPTAN1 (spectrin alpha, non-erythrocytic 1; plus strand). Cytogenetic location: 9q34.11.
Variant type: single nucleotide variant.
Coding change: c.1414T>G on transcript NM_001130438.3 (MANE Select); coding-DNA position 1414, T replaced by G.
Protein change: p.Phe472Val; replaces phenylalanine 472 with valine.
Molecular consequence: missense variant.
Genome position (GRCh38, 1-based): chr9:128,581,012, T>G. VCF-style: chr9-128581012-T-G. GRCh37 (hg19) VCF-style: chr9-131343291-T-G.
Other names: c.1414T>G, p.Phe472Val (NM_003127.4, NM_001195532.2, NM_001363759.2 and 10 more transcripts); c.1450T>G, p.Phe484Val (NM_001375312.2, NM_001375318.1, NM_001438440.1); short protein forms F472V, F484V.
Identifiers: ClinVar variation 4849201 (VCV004849201.1).
Genomic context (GRCh38, chr9:128,581,012, plus strand): 5'-CTGCTGGAGCTGTGGGAGCTGCGCAGGCAGCAGTACGAGCAGTGCATGGACCTGCAGCTC[T>G]TCTACCGGGACACTGAGCAGGTGGACAACTGGATGAGCAAGCAGGAGGTAATCTGTGAGC-3'
Protein context (NP_001123910.1, residues 462-482): QYEQCMDLQL[Phe472Val]YRDTEQVDNW